The following is an entry in ClinVar:

ClinVar aggregate classification (germline): Uncertain significance. Review status: criteria provided, multiple submitters, no conflicts (2 of 4 stars). 2 submissions from 2 submitters: Uncertain significance (2). Last evaluated 2025-12-11.

Conditions:
Congenital myasthenic syndrome 4A. Also called: MYASTHENIC SYNDROME, CONGENITAL, 4A, SLOW-CHANNEL, AUTOSOMAL RECESSIVE; Myasthenic syndrome, congenital, 4a, slow-channel; CONGENITAL MYASTHENIC SYNDROME TYPE Ia1. Identifiers: Orphanet 590, MedGen C4225413, MONDO:0011600, OMIM 605809.

Allele frequency attached by ClinVar (database versions not stated): ExAC 0.00002; TOPMed 0.00002; gnomAD 0.00003.
gnomAD v4.1: 56 of 1,613,754 alleles (0.0035%); highest among the groups gnomAD compares: Middle Eastern, 0.033%; no homozygotes.

Submissions (2):

Labcorp Genetics (formerly Invitae), Labcorp
Classification: Uncertain significance for Congenital myasthenic syndrome 4A. Last evaluated: 2025-12-11. Review status: criteria provided, single submitter. Criteria: Invitae Variant Classification Sherloc (09022015). Collection method: clinical testing. Allele origin: germline.
Comment: This sequence change replaces arginine, which is basic and polar, with cysteine, which is neutral and slightly polar, at codon 237 of the CHRNE protein (p.Arg237Cys). This variant is present in population databases (rs769424853, gnomAD 0.009%). This variant has not been reported in the literature in individuals affected with CHRNE-related conditions. ClinVar contains an entry for this variant (Variation ID: 2067528). Invitae Evidence Modeling of protein sequence and biophysical properties (such as structural, functional, and spatial information, amino acid conservation, physicochemical variation, residue mobility, and thermodynamic stability) has been performed for this missense variant. However, the output from this modeling did not meet the statistical confidence thresholds required to predict the impact of this variant on CHRNE protein function. In summary, the available evidence is currently insufficient to determine the role of this variant in disease. Therefore, it has been classified as a Variant of Uncertain Significance.

Revvity Omics, Revvity
Classification: Uncertain significance. Last evaluated: 2024-03-06. Review status: criteria provided, single submitter. Criteria: ACMG Guidelines, 2015. Collection method: clinical testing. Allele origin: germline.

NM_000080.4(CHRNE):c.709C>T (p.Arg237Cys)

Genes: C17orf107 (chromosome 17 open reading frame 107; plus strand), CHRNE (cholinergic receptor nicotinic epsilon subunit; minus strand). Cytogenetic location: 17p13.2.
Variant type: single nucleotide variant.
Coding change: c.709C>T on transcript NM_000080.4 (MANE Select); coding-DNA position 709, C replaced by T.
Protein change: p.Arg237Cys; replaces arginine 237 with cysteine.
Molecular consequence: missense variant. On other transcripts: 3 prime UTR variant (1).
Genome position (GRCh38, 1-based): chr17:4,901,083, G>A on the plus strand (C>T on the coding strand, the complement: CHRNE is on the minus strand). VCF-style: chr17-4901083-G-A. GRCh37 (hg19) VCF-style: chr17-4804378-G-A.
Other names: c.*550G>A (NM_001145536.2); short protein forms R237C.
Identifiers: ClinVar variation 2067528 (VCV002067528.5), dbSNP rs769424853, ClinGen allele CA8314282.